The following is an entry in ClinVar:

ClinVar aggregate classification (germline): Pathogenic (1 of 4 stars; one submission).

Conditions:
Supravalvar aortic stenosis (SVAS). Also called: Supravalvar aortic stenosis, Eisenberg type. Identifiers: Orphanet 3193, MedGen C0003499, MONDO:0008504, OMIM 185500, HP:0004381.

Submission:

Labcorp Genetics (formerly Invitae), Labcorp
Classification: Pathogenic for Supravalvar aortic stenosis. Last evaluated: 2023-01-06. Review status: criteria provided, single submitter. Criteria: Invitae Variant Classification Sherloc (09022015). Collection method: clinical testing. Allele origin: germline.
Comment: For these reasons, this variant has been classified as Pathogenic. This variant has not been reported in the literature in individuals affected with ELN-related conditions. This variant is not present in population databases (gnomAD no frequency). This sequence change creates a premature translational stop signal (p.Ala263Glnfs*60) in the ELN gene. It is expected to result in an absent or disrupted protein product. Loss-of-function variants in ELN are known to be pathogenic (PMID: 11175284).

Literature cited by the submitters: PubMed 11175284.

NM_000501.4(ELN):c.786del (p.Ala263fs)

Gene: ELN (elastin; plus strand). Cytogenetic location: 7q11.23.
Variant type: Deletion.
Coding change: c.786del on transcript NM_000501.4 (MANE Select); coding-DNA position 786, one base deleted (A; older notation c.786delA).
Protein change: p.Ala263fs; shifts the reading frame from alanine 263.
Molecular consequence: frameshift variant.
Genome position (GRCh38, 1-based): chr7:74,048,543, A deleted. VCF-style (leftmost placement, unchanged base first): chr7-74048542-CA-C. GRCh37 (hg19) VCF-style: chr7-73462872-CA-C.
Other names: c.756del, p.Ala253fs (NM_001081752.3, NM_001278917.2); c.801del, p.Ala268fs (NM_001081753.3, NM_001081754.3); c.786del, p.Ala263fs (NM_001081755.3, NM_001278912.2, NM_001278915.2 and 1 more transcripts); c.678del, p.Ala227fs (NM_001278913.2); c.771del, p.Ala258fs (NM_001278914.2); c.744del, p.Ala249fs (NM_001278916.2); c.654del, p.Ala219fs (NM_001278918.2); short protein forms A219fs, A268fs, A227fs, A253fs, A258fs, A249fs, A263fs.
Identifiers: ClinVar variation 2821064 (VCV002821064.3), dbSNP rs2485519560, ClinGen allele CA2739266466.